The following is an entry in ClinVar:

NM_001184.4(ATR):c.7160G>C (p.Arg2387Thr)

Gene: ATR (ATR serine/threonine kinase; minus strand). Cytogenetic location: 3q23.
Variant type: single nucleotide variant.
Coding change: c.7160G>C on transcript NM_001184.4 (MANE Select); coding-DNA position 7160, G replaced by C.
Protein change: p.Arg2387Thr; replaces arginine 2387 with threonine.
Molecular consequence: missense variant.
Genome position (GRCh38, 1-based): chr3:142,461,972, C>G on the plus strand (G>C on the coding strand, the complement: ATR is on the minus strand). VCF-style: chr3-142461972-C-G. GRCh37 (hg19) VCF-style: chr3-142180814-C-G.
Other names: c.6968G>C, p.Arg2323Thr (NM_001354579.2); short protein forms R2387T, R2323T.
Identifiers: ClinVar variation 3462437 (VCV003462437.1).

ClinVar aggregate classification (germline): Uncertain significance (1 of 4 stars; one submission).

Conditions:
Inborn genetic diseases. Identifiers: MedGen C0950123, MeSH D030342.

Submission:

Ambry Genetics
Classification: Uncertain significance for Inborn genetic diseases. Last evaluated: 2024-07-16. Review status: criteria provided, single submitter. Criteria: Ambry Variant Classification Scheme 2023. Collection method: clinical testing. Allele origin: germline.
Comment: The p.R2387T variant (also known as c.7160G>C), located in coding exon 42 of the ATR gene, results from a G to C substitution at nucleotide position 7160. The arginine at codon 2387 is replaced by threonine, an amino acid with similar properties. This amino acid position is conserved. In addition, this alteration is predicted to be deleterious by in silico analysis. Based on the available evidence, the clinical significance of this variant remains unclear.